The following is an entry in ClinVar:

NM_015404.4(WHRN):c.1626+199T>C

Gene: WHRN (whirlin; minus strand). Cytogenetic location: 9q32.
Variant type: single nucleotide variant.
Coding change: c.1626+199T>C on transcript NM_015404.4 (MANE Select); 199 bases into the intron after coding-DNA position 1626, T replaced by C.
Molecular consequence: intron variant.
Genome position (GRCh38, 1-based): chr9:114,423,115, A>G on the plus strand (T>C on the coding strand, the complement: WHRN is on the minus strand). VCF-style: chr9-114423115-A-G. GRCh37 (hg19) VCF-style: chr9-117185395-A-G.
Other names: c.1626+199T>C (NM_001173425.2); c.477+199T>C (NM_001083885.3); c.573+199T>C (NM_001346890.1).
Identifiers: ClinVar variation 678777 (VCV000678777.1), dbSNP rs2181928, ClinGen allele CA15587256.
Genomic context (GRCh38, chr9:114,423,115, plus strand): 5'-TTCCCAGACTGCAAGCCCCAGGAGGCAGGGCCACATCTCTCCTGTTCACCTGTTGTCCCC[A>G]AGAGCCCATGCCTAGCATGCAGTAGACATTCAACAACTATTAGGTTTTTACAGAGGAAGA-3'

ClinVar aggregate classification (germline): Benign (1 of 4 stars; one submission).

Allele frequency attached by ClinVar (database versions not stated): gnomAD 0.56084 and 0.57618; TOPMed 0.57910; 1000 Genomes Project 30x 0.63382; 1000 Genomes Project 0.64517.
gnomAD v4.1: 87,762 of 151,808 alleles (58%); highest among the groups gnomAD compares: East Asian, 94%; 27,437 homozygotes.

Submission:

GeneDx
Classification: Benign. Last evaluated: 2018-06-14. Review status: criteria provided, single submitter. Criteria: GeneDx Variant Classification (06012015). Collection method: clinical testing. Allele origin: germline. Affected: yes.
Comment: This variant is considered likely benign or benign based on one or more of the following criteria: it is a conservative change, it occurs at a poorly conserved position in the protein, it is predicted to be benign by multiple in silico algorithms, and/or has population frequency not consistent with disease.